The following is an entry in ClinVar:

NM_002637.4(PHKA1):c.2433C>T (p.Thr811=)

Gene: PHKA1 (phosphorylase kinase regulatory subunit alpha 1; minus strand). Cytogenetic location: Xq13.1.
Variant type: single nucleotide variant.
Coding change: c.2433C>T on transcript NM_002637.4 (MANE Select); coding-DNA position 2433, C replaced by T.
Protein change: p.Thr811=; no amino-acid change (threonine 811 retained).
Molecular consequence: synonymous variant.
Genome position (GRCh38, 1-based): chrX:72,611,121, G>A on the plus strand (C>T on the coding strand, the complement: PHKA1 is on the minus strand). VCF-style: chrX-72611121-G-A. GRCh37 (hg19) VCF-style: chrX-71830971-G-A.
Other names: c.2433C>T, p.Thr811= (NM_001122670.2); c.2256C>T, p.Thr752= (NM_001172436.2).
Identifiers: ClinVar variation 506711 (VCV000506711.16), dbSNP rs61732499, ClinGen allele CA10450691.

ClinVar aggregate classification (germline): Benign/Likely benign. Review status: criteria provided, multiple submitters, no conflicts (2 of 4 stars). 5 submissions from 5 submitters: Benign (3); Likely benign (1). 1 of the submissions does not count toward it. Last evaluated 2026-01-28.

Conditions:
PHKA1-related disorder. Also called: PHKA1-related condition.
Glycogen storage disease IXd (GSD9D). Also called: Muscle Phosphorylase Kinase Deficiency; GSD IXd. Identifiers: Orphanet 715, MedGen C1845151, MONDO:0010362, OMIM 300559.

Allele frequency attached by ClinVar (database versions not stated): gnomAD exomes 0.00019 and 0.00054; ExAC 0.00072; gnomAD 0.00207 and 0.00216; 1000 Genomes Project 30x 0.00208; TOPMed 0.00209; 1000 Genomes Project 0.00212; ESP Exome Variant Server 0.00227.
gnomAD v4.1: 443 of 1,199,405 alleles (0.037%); highest among the groups gnomAD compares: African/African-American, 0.63%; no homozygotes.

Submissions (5):

Labcorp Genetics (formerly Invitae), Labcorp
Classification: Benign for Glycogen storage disease IXd. Last evaluated: 2026-01-28. Review status: criteria provided, single submitter. Criteria: Invitae Variant Classification Sherloc (09022015). Collection method: clinical testing. Allele origin: germline.

Blueprint Genetics
Classification: Likely benign. Last evaluated: 2024-11-19. Review status: criteria provided, single submitter. Criteria: ACMG Guidelines, 2015. Collection method: clinical testing. Allele origin: germline.

Illumina Laboratory Services, Illumina
Classification: Benign for Glycogen storage disease IXd. Last evaluated: 2018-01-13. Review status: criteria provided, single submitter. Criteria: ICSL Variant Classification Criteria 13 December 2019. Collection method: clinical testing. Allele origin: germline.
Comment: This variant was observed in the ICSL laboratory as part of a predisposition screen in an ostensibly healthy population. It had not been previously curated by ICSL or reported in the Human Gene Mutation Database (HGMD: prior to June 1st, 2018), and was therefore a candidate for classification through an automated scoring system. Utilizing variant allele frequency, disease prevalence and penetrance estimates, and inheritance mode, an automated score was calculated to assess if this variant is too frequent to cause the disease. Based on the score and internal cut-off values, a variant classified as benign is not then subjected to further curation. The score for this variant resulted in a classification of benign for this disease.

GeneDx
Classification: Benign. Last evaluated: 2017-09-26. Review status: criteria provided, single submitter. Criteria: GeneDx Variant Classification (06012015). Collection method: clinical testing. Allele origin: germline. Affected: yes.
Comment: This variant is considered likely benign or benign based on one or more of the following criteria: it is a conservative change, it occurs at a poorly conserved position in the protein, it is predicted to be benign by multiple in silico algorithms, and/or has population frequency not consistent with disease.

PreventionGenetics, part of Exact Sciences
Classification: Benign for PHKA1-related condition. Last evaluated: 2019-12-19. Review status: no assertion criteria provided. Collection method: clinical testing. Allele origin: germline. Not counted in ClinVar's aggregate classification.
Comment: This variant is classified as benign based on ACMG/AMP sequence variant interpretation guidelines (Richards et al. 2015 PMID: 25741868, with internal and published modifications).